The following is an entry in ClinVar:

ClinVar aggregate classification (germline): Likely benign. Review status: criteria provided, single submitter (1 of 4 stars). 2 submissions from 2 submitters: Likely benign (1). 1 of the submissions does not count toward it. Last evaluated 2024-11-05.

Conditions:
PLXNA2-related disorder. Also called: PLXNA2-related condition.

Allele frequency attached by ClinVar (database versions not stated): gnomAD exomes 0.00004 and 0.00007; ExAC 0.00007; gnomAD 0.00021 and 0.00023; TOPMed 0.00022.
gnomAD v4.1: 92 of 1,610,894 alleles (0.0057%); highest among the groups gnomAD compares: African/African-American, 0.075%; no homozygotes.

Submissions (2):

Labcorp Genetics (formerly Invitae), Labcorp
Classification: Likely benign. Last evaluated: 2024-11-05. Review status: criteria provided, single submitter. Criteria: Invitae Variant Classification Sherloc (09022015). Collection method: clinical testing. Allele origin: germline.

PreventionGenetics, part of Exact Sciences
Classification: Likely benign for PLXNA2-related condition. Last evaluated: 2022-03-25. Review status: no assertion criteria provided. Collection method: clinical testing. Allele origin: germline. Not counted in ClinVar's aggregate classification.
Comment: This variant is classified as likely benign based on ACMG/AMP sequence variant interpretation guidelines (Richards et al. 2015 PMID: 25741868, with internal and published modifications).

NM_025179.4(PLXNA2):c.5445C>T (p.Tyr1815=)

Gene: PLXNA2 (plexin A2; minus strand). Cytogenetic location: 1q32.2.
Variant type: single nucleotide variant.
Coding change: c.5445C>T on transcript NM_025179.4 (MANE Select); coding-DNA position 5445, C replaced by T.
Protein change: p.Tyr1815=; no amino-acid change (tyrosine 1815 retained).
Molecular consequence: synonymous variant.
Genome position (GRCh38, 1-based): chr1:208,028,153, G>A on the plus strand (C>T on the coding strand, the complement: PLXNA2 is on the minus strand). VCF-style: chr1-208028153-G-A. GRCh37 (hg19) VCF-style: chr1-208201498-G-A.
Other names: c.5445C>T (NM_025179.3).
Identifiers: ClinVar variation 1592882 (VCV001592882.10), dbSNP rs756463636, ClinGen allele CA1372550.